The following is an entry in ClinVar:

NM_003051.4(SLC16A1):c.206T>C (p.Met69Thr)

Gene: SLC16A1 (solute carrier family 16 member 1; minus strand). Cytogenetic location: 1p13.2.
Variant type: single nucleotide variant.
Coding change: c.206T>C on transcript NM_003051.4 (MANE Select); coding-DNA position 206, T replaced by C.
Protein change: p.Met69Thr; replaces methionine 69 with threonine.
Molecular consequence: missense variant.
Genome position (GRCh38, 1-based): chr1:112,929,103, A>G on the plus strand (T>C on the coding strand, the complement: SLC16A1 is on the minus strand). VCF-style: chr1-112929103-A-G. GRCh37 (hg19) VCF-style: chr1-113471725-A-G.
Other names: c.206T>C, p.Met69Thr (NM_001166496.2); short protein forms M69T.
Identifiers: ClinVar variation 2334038 (VCV002334038.3), dbSNP rs774025191, ClinGen allele CA1011508.

ClinVar aggregate classification (germline): Uncertain significance. Review status: criteria provided, multiple submitters, no conflicts (2 of 4 stars). 2 submissions from 2 submitters: Uncertain significance (2). Last evaluated 2025-03-24.

Conditions:
Inborn genetic diseases. Identifiers: MedGen C0950123, MeSH D030342.

Allele frequency attached by ClinVar (database versions not stated): gnomAD exomes below 0.00001; ExAC 0.00001.
gnomAD v4.1: 5 of 1,613,438 alleles (0.00031%); highest among the groups gnomAD compares: Non-Finnish European, 0.00042%; no homozygotes.

Submissions (2):

Labcorp Genetics (formerly Invitae), Labcorp
Classification: Uncertain significance. Last evaluated: 2025-03-24. Review status: criteria provided, single submitter. Criteria: Invitae Variant Classification Sherloc (09022015). Collection method: clinical testing. Allele origin: germline.
Comment: This sequence change replaces methionine, which is neutral and non-polar, with threonine, which is neutral and polar, at codon 69 of the SLC16A1 protein (p.Met69Thr). This variant is present in population databases (rs774025191, gnomAD 0.0009%). This variant has not been reported in the literature in individuals affected with SLC16A1-related conditions. ClinVar contains an entry for this variant (Variation ID: 2334038). An algorithm developed to predict the effect of missense changes on protein structure and function outputs the following: PolyPhen-2: "Benign". The threonine amino acid residue is found in multiple mammalian species, which suggests that this missense change does not adversely affect protein function. In summary, the available evidence is currently insufficient to determine the role of this variant in disease. Therefore, it has been classified as a Variant of Uncertain Significance.

Ambry Genetics
Classification: Uncertain significance for Inborn genetic diseases. Last evaluated: 2022-12-13. Review status: criteria provided, single submitter. Criteria: Ambry Variant Classification Scheme 2023. Collection method: clinical testing. Allele origin: germline.